The following is an entry in ClinVar:

NM_002860.4(ALDH18A1):c.1740C>G (p.Ser580Arg)

Gene: ALDH18A1 (aldehyde dehydrogenase 18 family member A1; minus strand). Cytogenetic location: 10q24.1.
Variant type: single nucleotide variant.
Coding change: c.1740C>G on transcript NM_002860.4 (MANE Select); coding-DNA position 1740, C replaced by G.
Protein change: p.Ser580Arg; replaces serine 580 with arginine.
Molecular consequence: missense variant.
Genome position (GRCh38, 1-based): chr10:95,614,027, G>C on the plus strand (C>G on the coding strand, the complement: ALDH18A1 is on the minus strand). VCF-style: chr10-95614027-G-C. GRCh37 (hg19) VCF-style: chr10-97373784-G-C.
Other names: c.1734C>G, p.Ser578Arg (NM_001017423.2, NM_001323415.2); c.1407C>G, p.Ser469Arg (NM_001323412.2, NM_001323416.2); c.1740C>G, p.Ser580Arg (NM_001323413.2, NM_001323414.2); c.1635C>G, p.Ser545Arg (NM_001323417.2); c.1401C>G, p.Ser467Arg (NM_001323418.2); c.1104C>G, p.Ser368Arg (NM_001323419.2); short protein forms S469R, S467R, S578R, S580R, S545R, S368R.
Identifiers: ClinVar variation 879506 (VCV000879506.14), dbSNP rs139035272, ClinGen allele CA211788857.
Genomic context (GRCh38, chr10:95,614,027, plus strand): 5'-TAGCCTGGTGACCTTATCAACACTGGCCTCGGAATCCACATACATGTGACAGATCCCTTC[G>C]CTGTGCCCCATCACTGGAATCCCCTTAGCAGCTTTCTGGATGTCTCTGACCAGCTGGGAA-3'
Protein context (NP_002851.2, residues 570-590): AAKGIPVMGH[Ser580Arg]EGICHMYVDS

ClinVar aggregate classification (germline): Uncertain significance. Review status: criteria provided, multiple submitters, no conflicts (2 of 4 stars). 4 submissions from 4 submitters: Uncertain significance (4). Last evaluated 2025-12-27.

Conditions:
ALDH18A1-related de Barsy syndrome. Also called: DE BARSY SYNDROME A; Cutis laxa, autosomal recessive IIIA. Identifiers: Orphanet 2962, Orphanet 35664, MedGen C5234852, MONDO:0009053, OMIM 219150.
Autosomal dominant spastic paraplegia type 9. Identifiers: MedGen C1832669, MONDO:0015091.
Cutis laxa, autosomal dominant 3 (ADCL3). Identifiers: Orphanet 90348, MedGen C4225268, MONDO:0014706, OMIM 616603.
de Barsy syndrome. Also called: Cutis laxa-corneal clouding-oligophrenia syndrome. Identifiers: Orphanet 2962, MedGen C0268354, MONDO:0017569.
Autosomal recessive complex spastic paraplegia type 9B. Also called: Spastic paraplegia 9b, autosomal recessive. Identifiers: Orphanet 447760, MedGen C5568980, MONDO:0014702, OMIM 616586.
Hereditary spastic paraplegia 9A. Also called: SPASTIC PARAPLEGIA 9A, AUTOSOMAL DOMINANT; CATARACTS WITH MOTOR NEURONOPATHY, SHORT STATURE, AND SKELETAL ABNORMALITIES; SPASTIC PARAPARESIS WITH AMYOTROPHY, CATARACTS, AND GASTROESOPHAGEAL REFLUX. Identifiers: Orphanet 100990, Orphanet 447753, MedGen C5568978, MONDO:0011006, OMIM 601162.

Allele frequency attached by ClinVar (database versions not stated): TOPMed 0.00002.
gnomAD v4.1: 47 of 1,614,054 alleles (0.0029%); highest among the groups gnomAD compares: Non-Finnish European, 0.004%; no homozygotes.

Submissions (4):

Labcorp Genetics (formerly Invitae), Labcorp
Classification: Uncertain significance for Autosomal dominant spastic paraplegia type 9; de Barsy syndrome; Cutis laxa, autosomal dominant 3. Last evaluated: 2025-12-27. Review status: criteria provided, single submitter. Criteria: Invitae Variant Classification Sherloc (09022015). Collection method: clinical testing. Allele origin: germline.
Comment: This sequence change replaces serine, which is neutral and polar, with arginine, which is basic and polar, at codon 580 of the ALDH18A1 protein (p.Ser580Arg). This variant is present in population databases (rs139035272, gnomAD 0.004%). This variant has not been reported in the literature in individuals affected with ALDH18A1-related conditions. ClinVar contains an entry for this variant (Variation ID: 879506). Invitae Evidence Modeling of protein sequence and biophysical properties (such as structural, functional, and spatial information, amino acid conservation, physicochemical variation, residue mobility, and thermodynamic stability) has been performed for this missense variant. However, the output from this modeling did not meet the statistical confidence thresholds required to predict the impact of this variant on ALDH18A1 protein function. In summary, the available evidence is currently insufficient to determine the role of this variant in disease. Therefore, it has been classified as a Variant of Uncertain Significance.

GeneDx
Classification: Uncertain significance. Last evaluated: 2024-07-23. Review status: criteria provided, single submitter. Criteria: GeneDx Variant Classification Process June 2021. Collection method: clinical testing. Allele origin: germline. Affected: yes.
Comment: Has not been previously published as pathogenic or benign to our knowledge; Not observed at significant frequency in large population cohorts (gnomAD); In silico analysis supports that this missense variant has a deleterious effect on protein structure/function

Fulgent Genetics
Classification: Uncertain significance for ALDH18A1-related de Barsy syndrome; Hereditary spastic paraplegia 9A; Autosomal recessive complex spastic paraplegia type 9B; Cutis laxa, autosomal dominant 3. Last evaluated: 2022-01-13. Review status: criteria provided, single submitter. Criteria: ACMG Guidelines, 2015. Collection method: clinical testing. Allele origin: unknown.

Illumina Laboratory Services, Illumina
Classification: Uncertain significance for ALDH18A1-related de Barsy syndrome. Last evaluated: 2018-01-13. Review status: criteria provided, single submitter. Criteria: ICSL Variant Classification Criteria 13 December 2019. Collection method: clinical testing. Allele origin: germline.